The following is an entry in ClinVar:

NM_000843.4(GRM6):c.2566C>T (p.Arg856Trp)

Genes: GRM6 (glutamate metabotropic receptor 6; minus strand), ZNF454 (zinc finger protein 454; plus strand). Cytogenetic location: 5q35.3.
Variant type: single nucleotide variant.
Coding change: c.2566C>T on transcript NM_000843.4 (MANE Select); coding-DNA position 2566, C replaced by T.
Protein change: p.Arg856Trp; replaces arginine 856 with tryptophan.
Molecular consequence: missense variant.
Genome position (GRCh38, 1-based): chr5:178,981,725, G>A on the plus strand (C>T on the coding strand, the complement: GRM6 is on the minus strand). VCF-style: chr5-178981725-G-A. GRCh37 (hg19) VCF-style: chr5-178408726-G-A.
Other names: short protein forms R856W.
Identifiers: ClinVar variation 966276 (VCV000966276.6), dbSNP rs202022128, ClinGen allele CA3593505.
Genomic context (GRCh38, chr5:178,981,725, plus strand): 5'-GGGCCTCTGCATCCTCGCCCTTGGGTGGGGCTGCCACCGTGGAGGTGGCCTTGAGGCTCC[G>A]CTTTCGCTTCTGCACATTCTGCTCTGGATGGAAGAGGATGACGTAGGTTTTGGGTACGTA-3'
Protein context (NP_000834.2, residues 846-866): HPEQNVQKRK[Arg856Trp]SLKATSTVAA

ClinVar aggregate classification (germline): Uncertain significance. Review status: criteria provided, multiple submitters, no conflicts (2 of 4 stars). 3 submissions from 3 submitters: Uncertain significance (3). Last evaluated 2024-02-17.

Conditions:
Inborn genetic diseases. Identifiers: MedGen C0950123, MeSH D030342.

Allele frequency attached by ClinVar (database versions not stated): ExAC 0.00005; TOPMed 0.00007; gnomAD 0.00008.
gnomAD v4.1: 199 of 1,613,912 alleles (0.012%); highest among the groups gnomAD compares: Middle Eastern, 0.016%; no homozygotes.

Submissions (3):

Ambry Genetics
Classification: Uncertain significance for Inborn genetic diseases. Last evaluated: 2024-02-17. Review status: criteria provided, single submitter. Criteria: Ambry Variant Classification Scheme 2023. Collection method: clinical testing. Allele origin: germline.

Blueprint Genetics
Classification: Uncertain significance. Last evaluated: 2023-06-26. Review status: criteria provided, single submitter. Criteria: ACMG Guidelines, 2015. Collection method: clinical testing. Allele origin: germline.

Labcorp Genetics (formerly Invitae), Labcorp
Classification: Uncertain significance. Last evaluated: 2022-10-13. Review status: criteria provided, single submitter. Criteria: Invitae Variant Classification Sherloc (09022015). Collection method: clinical testing. Allele origin: germline.
Comment: This sequence change replaces arginine, which is basic and polar, with tryptophan, which is neutral and slightly polar, at codon 856 of the GRM6 protein (p.Arg856Trp). This variant is present in population databases (rs202022128, gnomAD 0.008%). This variant has not been reported in the literature in individuals affected with GRM6-related conditions. ClinVar contains an entry for this variant (Variation ID: 966276). Advanced modeling of protein sequence and biophysical properties (such as structural, functional, and spatial information, amino acid conservation, physicochemical variation, residue mobility, and thermodynamic stability) performed at Invitae indicates that this missense variant is expected to disrupt GRM6 protein function. In summary, the available evidence is currently insufficient to determine the role of this variant in disease. Therefore, it has been classified as a Variant of Uncertain Significance.